The following is an entry in ClinVar:

ClinVar aggregate classification (germline): not provided (0 of 4 stars; one submission).

Conditions:
Normal pregnancy. Identifiers: MedGen C0232989.

Submission:

Institute of Molecular and Cell Biology, University of Tartu
No classification provided. Condition: Normal pregnancy. Review status: no classification provided. Collection method: case-control. Allele origin: unknown. Affected: yes. Study: Kasak2014.
Comment: The study aimed to determine the contribution of copy number variants in the genetic etiology of normal and complicated pregnancies. The samples represented (i) maternal blood DNA drawn from healthy pregnant women during 1st or 2nd trimester and (ii) maternal and paternal blood DNA drawn at term pregnancy cases representing normal and complicated gestations (severe preeclampsia, PE; gestational diabetes, GD; small-for-gestational age newborn, SGA; large-for-gestational age newborn, LGA). We performed CNV calling based on genome-wide genotyping dataset (Illumina HumanOmniExpress-24-v1 BeadChip) by applying three algorithms, QuantiSNP, GADA (Genome Alteration Detection Algorithm) and CNstream in parallel. The acquired CNV calls were merged with HD-CNV (Hotspot Detector for Copy Number Variants) program and only the CNVs predicted by at least two programs, were considered in subsequent analysis.

Literature cited by the submitters: PubMed 25666259.

Single allele

Genes: LINC01192 (long intergenic non-protein coding RNA 1192; minus strand), LOC132088897 (Neanderthal introgressed variant-containing enhancer experimental_66341; plus strand), LOC132088898 (Neanderthal introgressed variant-containing enhancer experimental_66379; plus strand), LOC132088899 (Neanderthal introgressed variant-containing enhancer experimental_66382; plus strand), LOC132088900 (Neanderthal introgressed variant-containing enhancer experimental_66440; plus strand). Cytogenetic location: 3q26.1.
Variant type: Deletion.
Identifiers: ClinVar variation 156893 (VCV000156893.2).